The following is an entry in ClinVar:

ClinVar aggregate classification (germline): Uncertain significance (1 of 4 stars; one submission).

Submission:

Labcorp Genetics (formerly Invitae), Labcorp
Classification: Uncertain significance. Last evaluated: 2022-10-31. Review status: criteria provided, single submitter. Criteria: Invitae Variant Classification Sherloc (09022015). Collection method: clinical testing. Allele origin: germline.
Comment: This sequence change replaces valine, which is neutral and non-polar, with alanine, which is neutral and non-polar, at codon 869 of the DSG1 protein (p.Val869Ala). This variant is not present in population databases (gnomAD no frequency). This variant has not been reported in the literature in individuals affected with DSG1-related conditions. Algorithms developed to predict the effect of missense changes on protein structure and function (SIFT, PolyPhen-2, Align-GVGD) all suggest that this variant is likely to be disruptive. In summary, the available evidence is currently insufficient to determine the role of this variant in disease. Therefore, it has been classified as a Variant of Uncertain Significance.

NM_001942.4(DSG1):c.2606T>C (p.Val869Ala)

Genes: DSG1 (desmoglein 1; plus strand), DSG1-AS1 (DSG1 antisense RNA 1; minus strand), LOC126862720 (MED14-independent group 3 enhancer GRCh37_chr18:28933613-28934812; plus strand). Cytogenetic location: 18q12.1.
Variant type: single nucleotide variant.
Coding change: c.2606T>C on transcript NM_001942.4 (MANE Select); coding-DNA position 2606, T replaced by C.
Protein change: p.Val869Ala; replaces valine 869 with alanine.
Molecular consequence: missense variant.
Genome position (GRCh38, 1-based): chr18:31,354,802, T>C. VCF-style: chr18-31354802-T-C. GRCh37 (hg19) VCF-style: chr18-28934765-T-C.
Other names: short protein forms V869A.
Identifiers: ClinVar variation 2810980 (VCV002810980.3), dbSNP rs2510845933, ClinGen allele CA402123615.